The following is an entry in ClinVar:

NM_001042492.3(NF1):c.6702A>C (p.Gln2234His)

Gene: NF1 (neurofibromin 1; plus strand). Cytogenetic location: 17q11.2.
Variant type: single nucleotide variant.
Coding change: c.6702A>C on transcript NM_001042492.3 (MANE Select); coding-DNA position 6702, A replaced by C.
Protein change: p.Gln2234His; replaces glutamine 2234 with histidine.
Molecular consequence: missense variant.
Genome position (GRCh38, 1-based): chr17:31,337,878, A>C. VCF-style: chr17-31337878-A-C. GRCh37 (hg19) VCF-style: chr17-29664896-A-C.
Other names: c.6639A>C, p.Gln2213His (NM_000267.4); short protein forms Q2213H, Q2234H.
Identifiers: ClinVar variation 4860875 (VCV004860875.1).

ClinVar aggregate classification (germline): Uncertain significance (1 of 4 stars; one submission).

Conditions:
Cardiovascular phenotype. Identifiers: MedGen CN230736.
Hereditary cancer-predisposing syndrome. Also called: Neoplastic Syndromes, Hereditary; Tumor predisposition; Hereditary Cancer Syndrome; Hereditary neoplastic syndrome. Identifiers: Orphanet 140162, MedGen C0027672, MeSH D009386, MONDO:0015356.

Submission:

Ambry Genetics
Classification: Uncertain significance for Cardiovascular phenotype; Hereditary cancer-predisposing syndrome. Last evaluated: 2026-03-20. Review status: criteria provided, single submitter. Criteria: Ambry Variant Classification Scheme 2023. Collection method: clinical testing. Allele origin: germline.
Comment: The p.Q2213H variant (also known as c.6639A>C), located in coding exon 43 of the NF1 gene, results from an A to C substitution at nucleotide position 6639. The glutamine at codon 2213 is replaced by histidine, an amino acid with highly similar properties. This amino acid position is highly conserved in available vertebrate species. In addition, the in silico prediction for this alteration is inconclusive. Based on the available evidence, the clinical significance of this variant remains unclear.